The following is an entry in ClinVar:

NM_003072.5(SMARCA4):c.305G>A (p.Gly102Asp)

Gene: SMARCA4 (SWI/SNF related BAF chromatin remodeling complex subunit ATPase 4; plus strand). Cytogenetic location: 19p13.2.
Variant type: single nucleotide variant.
Coding change: c.305G>A on transcript NM_003072.5 (MANE Select); coding-DNA position 305, G replaced by A.
Protein change: p.Gly102Asp; replaces glycine 102 with aspartic acid.
Molecular consequence: missense variant. On other transcripts: non-coding transcript variant (1).
Genome position (GRCh38, 1-based): chr19:10,985,355, G>A. VCF-style: chr19-10985355-G-A. GRCh37 (hg19) VCF-style: chr19-11096031-G-A.
Other names: c.305G>A, p.Gly102Asp (NM_001128844.3, NM_001128845.2, NM_001128846.2 and 5 more transcripts); short protein forms G102D.
Identifiers: ClinVar variation 1037582 (VCV001037582.12), dbSNP rs746602808, ClinGen allele CA404055256.

ClinVar aggregate classification (germline): Uncertain significance. Review status: criteria provided, multiple submitters, no conflicts (2 of 4 stars). 2 submissions from 2 submitters: Uncertain significance (2). Last evaluated 2022-01-16.

Conditions:
Hereditary cancer-predisposing syndrome. Also called: Neoplastic Syndromes, Hereditary; Hereditary Cancer Syndrome; Tumor predisposition; Hereditary neoplastic syndrome. Identifiers: Orphanet 140162, MedGen C0027672, MeSH D009386, MONDO:0015356.
Rhabdoid tumor predisposition syndrome 2 (RTPS2). Identifiers: Orphanet 231108, Orphanet 69077, MedGen C2750074, MONDO:0013224, OMIM 613325.

Submissions (2):

Labcorp Genetics (formerly Invitae), Labcorp
Classification: Uncertain significance for Rhabdoid tumor predisposition syndrome 2. Last evaluated: 2022-01-16. Review status: criteria provided, single submitter. Criteria: Invitae Variant Classification Sherloc (09022015). Collection method: clinical testing. Allele origin: germline.
Comment: ClinVar contains an entry for this variant (Variation ID: 1037582). This variant has not been reported in the literature in individuals affected with SMARCA4-related conditions. This variant is not present in population databases (gnomAD no frequency). This sequence change replaces glycine, which is neutral and non-polar, with aspartic acid, which is acidic and polar, at codon 102 of the SMARCA4 protein (p.Gly102Asp). In summary, the available evidence is currently insufficient to determine the role of this variant in disease. Therefore, it has been classified as a Variant of Uncertain Significance. Algorithms developed to predict the effect of missense changes on protein structure and function are either unavailable or do not agree on the potential impact of this missense change (SIFT: "Deleterious"; PolyPhen-2: "Probably Damaging"; Align-GVGD: "Class C15").

Ambry Genetics
Classification: Uncertain significance for Hereditary cancer-predisposing syndrome. Last evaluated: 2021-02-24. Review status: criteria provided, single submitter. Criteria: Ambry Variant Classification Scheme 2023. Collection method: clinical testing. Allele origin: germline.
Comment: The p.G102D variant (also known as c.305G>A), located in coding exon 2 of the SMARCA4 gene, results from a G to A substitution at nucleotide position 305. The glycine at codon 102 is replaced by aspartic acid, an amino acid with similar properties. This amino acid position is poorly conserved in available vertebrate species. In addition, this alteration is predicted to be tolerated by in silico analysis. Missense and in-frame variants in SMARCA4 are known to cause neurodevelopmental disorders; however, such associations with rhabdoid tumor predisposition syndrome including small cell carcinoma of the ovary-hypercalcemic type (SCCOHT) are exceedingly rare (Kosho T et al. Am J Med Genet C Semin Med Genet. 2014 Sep;166C(3):262-75; Jelinic P et al. Nat Genet. 2014 May;46(5):424-6). Based on the supporting evidence, the association of this alteration with Coffin-Siris syndrome is unknown; however, the association of this alteration with rhabdoid tumor predisposition syndrome is unlikely.